The following is an entry in ClinVar:

ClinVar aggregate classification (germline): Uncertain significance (1 of 4 stars; one submission).

Conditions:
Developmental and epileptic encephalopathy, 64. Also called: EPILEPTIC ENCEPHALOPATHY, EARLY INFANTILE, 64. Identifiers: MedGen C4693899, MONDO:0033373, OMIM 618004.

Allele frequency attached by ClinVar (database versions not stated): TOPMed below 0.00001.
gnomAD v4.1: 3 of 1,614,184 alleles (0.00019%); highest among the groups gnomAD compares: South Asian, 0.0022%; no homozygotes.

Submission:

Neuberg Centre For Genomic Medicine, NCGM
Classification: Uncertain significance for Developmental and epileptic encephalopathy, 64. Last evaluated: 2024-02-01. Review status: criteria provided, single submitter. Criteria: ACMG Guidelines, 2015. Collection method: clinical testing. Allele origin: germline. Inheritance: Autosomal dominant inheritance. Affected: yes.
Comment: The missense variant c.1342A>G(p.Ile448Val) in RHOBTB2 gene has not been reported previously as a pathogenic variant nor as a benign variant, to our knowledge. The variant is absent in the gnomAD Exomes. The amino acid Isoleucine at position 448 is changed to a Valine changing protein sequence and it might alter its composition and physico-chemical properties. Computational evidence (Polyphen - Benign, SIFT - Tolerated and MutationTaster - Disease causing) predicts conflicting evidence on protein structure and function for this variant. The amino acid change p.Ile448Val in RHOBTB2 is predicted as conserved by GERP++ and PhyloP across 100 vertebrates. For these reasons, this variant has been classified as Uncertain Significance.

NM_015178.3(RHOBTB2):c.1342A>G (p.Ile448Val)

Gene: RHOBTB2 (Rho related BTB domain containing 2; plus strand). Cytogenetic location: 8p21.3.
Variant type: single nucleotide variant.
Coding change: c.1342A>G on transcript NM_015178.3 (MANE Select); coding-DNA position 1342, A replaced by G.
Protein change: p.Ile448Val; replaces isoleucine 448 with valine.
Molecular consequence: missense variant.
Genome position (GRCh38, 1-based): chr8:23,007,587, A>G. VCF-style: chr8-23007587-A-G. GRCh37 (hg19) VCF-style: chr8-22865100-A-G.
Other names: c.1408A>G, p.Ile470Val (NM_001160036.2); c.1363A>G, p.Ile455Val (NM_001160037.2); c.1342A>G, p.Ile448Val (NM_001374791.1); short protein forms I448V, I455V, I470V.
Identifiers: ClinVar variation 3234862 (VCV003234862.2), dbSNP rs1382794393, ClinGen allele CA370568531.
Genomic context (GRCh38, chr8:23,007,587, plus strand): 5'-GCTGTCCTCAAGTACCTGTACACGGGGGAGCTAGATGAGAACGAGCGTGACCTCATGCAC[A>G]TTGCCCACATTGCTGAGCTGCTCGAGGTCTTTGATCTGCGCATGATGGTGGCCAACATTC-3'
Protein context (NP_055993.2, residues 438-458): LDENERDLMH[Ile448Val]AHIAELLEVF